The following is an entry in ClinVar:

ClinVar aggregate classification (germline): Uncertain significance. Review status: criteria provided, multiple submitters, no conflicts (2 of 4 stars). 2 submissions from 2 submitters: Uncertain significance (2). Last evaluated 2024-03-24.

Conditions:
Arrhythmogenic right ventricular cardiomyopathy (ARVD). Also called: Cardiomyopathy, ARVC; Arrhythmogenic right ventricular dysplasia; Arrhythmogenic cardiomyopathy; Arrhythmogenic Right Ventricular Cardiomyopathy (ARVC). Identifiers: Orphanet 247, MedGen C0349788, MeSH D019571, MONDO:0016587. Disease mechanism: loss of function. Inheritance: Various modes of inheritance.
Cardiomyopathy (CMYO). Also called: Cardiomyopathies. Identifiers: Orphanet 167848, MedGen C0878544, MONDO:0004994, HP:0001638. Inheritance: Various modes of inheritance.

gnomAD v4.1: 1 of 1,614,042 alleles (0.000062%); highest among the groups gnomAD compares: East Asian, 0.0022%; no homozygotes.

Submissions (2):

All of Us Research Program, National Institutes of Health
Classification: Uncertain significance for Arrhythmogenic right ventricular cardiomyopathy. Last evaluated: 2024-03-24. Review status: criteria provided, single submitter. Criteria: ACMG Guidelines, 2015. Collection method: clinical testing. Allele origin: germline. Inheritance: Autosomal dominant inheritance. Observed: 1 variant allele, 1 heterozygote.
Comment: This missense variant replaces proline with serine at codon 663 of the DSG2 protein. Computational prediction suggests that this variant may not impact protein structure and function (internally defined REVEL score threshold <= 0.5, PMID: 27666373). To our knowledge, functional studies have not been reported for this variant. This variant has not been reported in individuals affected with cardiovascular disorders in the literature. This variant has not been identified in the general population by the Genome Aggregation Database (gnomAD). The available evidence is insufficient to determine the role of this variant in disease conclusively. Therefore, this variant is classified as a Variant of Uncertain Significance.

This study involves interpretation of variants in research participants for the purpose of population health screening. Participant phenotype was not available at the time of variant classification. Additional details can be found in publication PMID: 35346344, PMCID: PMC8962531

Color Diagnostics, LLC DBA Color Health
Classification: Uncertain significance for Cardiomyopathy. Last evaluated: 2024-03-07. Review status: criteria provided, single submitter. Criteria: ACMG Guidelines, 2015. Collection method: clinical testing. Allele origin: germline.
Comment: This missense variant replaces proline with serine at codon 663 of the DSG2 protein. Computational prediction suggests that this variant may not impact protein structure and function (internally defined REVEL score threshold <= 0.5, PMID: 27666373). To our knowledge, functional studies have not been reported for this variant. This variant has not been reported in individuals affected with DSG2-related disorders in the literature. This variant has not been identified in the general population by the Genome Aggregation Database (gnomAD). The available evidence is insufficient to determine the role of this variant in disease conclusively. Therefore, this variant is classified as a Variant of Uncertain Significance.

NM_001943.5(DSG2):c.1987C>T (p.Pro663Ser)

Gene: DSG2 (desmoglein 2; plus strand). Cytogenetic location: 18q12.1.
Variant type: single nucleotide variant.
Coding change: c.1987C>T on transcript NM_001943.5 (MANE Select); coding-DNA position 1987, C replaced by T.
Protein change: p.Pro663Ser; replaces proline 663 with serine.
Molecular consequence: missense variant.
Genome position (GRCh38, 1-based): chr18:31,541,300, C>T. VCF-style: chr18-31541300-C-T. GRCh37 (hg19) VCF-style: chr18-29121263-C-T.
Other names: short protein forms P663S.
Identifiers: ClinVar variation 1172176 (VCV001172176.4), dbSNP rs2073266441, ClinGen allele CA402139880.